The following is an entry in ClinVar:

NM_001754.5(RUNX1):c.674T>G (p.Leu225Arg)

Gene: RUNX1 (RUNX family transcription factor 1; minus strand). Cytogenetic location: 21q22.12.
Variant type: single nucleotide variant.
Coding change: c.674T>G on transcript NM_001754.5 (MANE Select); coding-DNA position 674, T replaced by G.
Protein change: p.Leu225Arg; replaces leucine 225 with arginine.
Molecular consequence: missense variant.
Genome position (GRCh38, 1-based): chr21:34,834,541, A>C on the plus strand (T>G on the coding strand, the complement: RUNX1 is on the minus strand). VCF-style: chr21-34834541-A-C. GRCh37 (hg19) VCF-style: chr21-36206838-A-C.
Other names: NM_001754.5(RUNX1):c.674T>G; p.Leu225Arg; c.593T>G, p.Leu198Arg (NM_001001890.3, NM_001122607.2); short protein forms L225R, L198R.
Identifiers: ClinVar variation 960077 (VCV000960077.9), dbSNP rs2057114262, ClinGen allele CA410206927.
Genomic context (GRCh38, chr21:34,834,541, plus strand): 5'-GGGGCTGGGTGGTGTGGGCTGACCCTCATGGCTGTGCGCCGCAGCTGCTCCAGTTCACTG[A>C]GCCGCTCGGAAAAGGACAAGCTCCCGGGCTTGGTCTGATCATCTAGTTTCTGCCGATGTC-3'
Protein context (NP_001745.2, residues 215-235): KPGSLSFSER[Leu225Arg]SELEQLRRTA

ClinVar aggregate classification (germline): Uncertain significance. Review status: reviewed by expert panel (3 of 4 stars). 3 submissions from 3 submitters: Uncertain significance (1). 2 of the submissions do not count toward it. Last evaluated 2024-07-17.

Conditions:
Hereditary thrombocytopenia and hematologic cancer predisposition syndrome. Identifiers: Orphanet 71290, MedGen CN281654, MONDO:0011071.
Inborn genetic diseases. Identifiers: MedGen C0950123, MeSH D030342.
Hereditary thrombocytopenia and hematological cancer predisposition syndrome associated with RUNX1. Also called: Familial Platelet Disorder with Propensity to Acute Myelogenous Leukemia; Familial thrombocytopenia with propensity to acute myelogenous leukemia; PLATELET DISORDER, ASPIRIN-LIKE; RUNX1 Familial Platelet Disorder with Associated Myeloid Malignancies. Identifiers: Orphanet 71290, MedGen C1832388, MeSH C563324, MONDO:0100083, OMIM 601399.

Submissions (3):

ClinGen Myeloid Malignancy Variant Curation Expert Panel
Classification: Uncertain significance for Hereditary thrombocytopenia and hematologic cancer predisposition syndrome. Last evaluated: 2024-07-17. Review status: reviewed by expert panel. Criteria: ClinGen MyeloMalig ACMG Specifications v2. Collection method: curation. Allele origin: germline. Inheritance: Autosomal dominant inheritance.
Comment: NM_001754.5(RUNX1):c.674T>G (p.Leu225Arg) is a missense variant which is completely absent from all population databases with at least 20x coverage for RUNX1 (PM2_Supporting). In summary, the clinical significance of this variant is uncertain. ACMG/AMP criteria applied, as specified by the Myeloid Malignancy Variant Curation Expert Panel for RUNX1: PM2_Supporting.

Ambry Genetics
Classification: Uncertain significance for Inborn genetic diseases. Last evaluated: 2026-04-20. Review status: criteria provided, single submitter. Criteria: Ambry Variant Classification Scheme 2023. Collection method: clinical testing. Allele origin: germline. Not counted in ClinVar's aggregate classification.

Labcorp Genetics (formerly Invitae), Labcorp
Classification: Uncertain significance for Hereditary thrombocytopenia and hematological cancer predisposition syndrome associated with RUNX1. Last evaluated: 2024-04-15. Review status: criteria provided, single submitter. Criteria: Invitae Variant Classification Sherloc (09022015). Collection method: clinical testing. Allele origin: germline. Not counted in ClinVar's aggregate classification.
Comment: This sequence change replaces leucine, which is neutral and non-polar, with arginine, which is basic and polar, at codon 225 of the RUNX1 protein (p.Leu225Arg). This variant is not present in population databases (gnomAD no frequency). This variant has not been reported in the literature in individuals affected with RUNX1-related conditions. ClinVar contains an entry for this variant (Variation ID: 960077). Advanced modeling of protein sequence and biophysical properties (such as structural, functional, and spatial information, amino acid conservation, physicochemical variation, residue mobility, and thermodynamic stability) has been performed at Invitae for this missense variant, however the output from this modeling did not meet the statistical confidence thresholds required to predict the impact of this variant on RUNX1 protein function. In summary, the available evidence is currently insufficient to determine the role of this variant in disease. Therefore, it has been classified as a Variant of Uncertain Significance.